The following is an entry in ClinVar:

NM_001105206.3(LAMA4):c.5272C>A (p.Leu1758Met)

Gene: LAMA4 (laminin subunit alpha 4; minus strand). Cytogenetic location: 6q21.
Variant type: single nucleotide variant.
Coding change: c.5272C>A on transcript NM_001105206.3 (MANE Select); coding-DNA position 5272, C replaced by A.
Protein change: p.Leu1758Met; replaces leucine 1758 with methionine.
Molecular consequence: missense variant.
Genome position (GRCh38, 1-based): chr6:112,114,130, G>T on the plus strand (C>A on the coding strand, the complement: LAMA4 is on the minus strand). VCF-style: chr6-112114130-G-T. GRCh37 (hg19) VCF-style: chr6-112435333-G-T.
Other names: c.5251C>A, p.Leu1751Met (NM_001105207.3, NM_002290.5); short protein forms L1751M, L1758M.
Identifiers: ClinVar variation 3222058 (VCV003222058.4), dbSNP rs1471513621, ClinGen allele CA365364219.

ClinVar aggregate classification (germline): Uncertain significance. Review status: criteria provided, multiple submitters, no conflicts (2 of 4 stars). 2 submissions from 2 submitters: Uncertain significance (2). Last evaluated 2025-04-12.

Conditions:
Cardiovascular phenotype. Identifiers: MedGen CN230736.
Dilated cardiomyopathy 1JJ (CMD1JJ). Identifiers: Orphanet 154, MedGen C3808935, MONDO:0014095, OMIM 615235.

Allele frequency attached by ClinVar (database versions not stated): gnomAD exomes 0.00001; TOPMed 0.00001; gnomAD 0.00002.
gnomAD v4.1: 16 of 1,613,786 alleles (0.00099%); highest among the groups gnomAD compares: Non-Finnish European, 0.0014%; no homozygotes.

Submissions (2):

Ambry Genetics
Classification: Uncertain significance for Cardiovascular phenotype. Last evaluated: 2025-04-12. Review status: criteria provided, single submitter. Criteria: Ambry Variant Classification Scheme 2023. Collection method: clinical testing. Allele origin: germline.

Labcorp Genetics (formerly Invitae), Labcorp
Classification: Uncertain significance for Dilated cardiomyopathy 1JJ. Last evaluated: 2024-08-01. Review status: criteria provided, single submitter. Criteria: Invitae Variant Classification Sherloc (09022015). Collection method: clinical testing. Allele origin: germline.
Comment: This sequence change replaces leucine, which is neutral and non-polar, with methionine, which is neutral and non-polar, at codon 1751 of the LAMA4 protein (p.Leu1751Met). This variant is present in population databases (no rsID available, gnomAD 0.003%). This variant has not been reported in the literature in individuals affected with LAMA4-related conditions. An algorithm developed to predict the effect of missense changes on protein structure and function (PolyPhen-2) suggests that this variant is likely to be disruptive. In summary, the available evidence is currently insufficient to determine the role of this variant in disease. Therefore, it has been classified as a Variant of Uncertain Significance.